The following is an entry in ClinVar:

NM_016653.3(MAP3K20):c.1204-6T>C

Genes: MAP3K20 (mitogen-activated protein kinase kinase kinase 20; plus strand), MAP3K20-AS1 (MAP3K20 antisense RNA 1; minus strand). Cytogenetic location: 2q31.1.
Variant type: single nucleotide variant.
Coding change: c.1204-6T>C on transcript NM_016653.3 (MANE Select); 6 bases into the intron before coding-DNA position 1204, T replaced by C.
Molecular consequence: intron variant.
Genome position (GRCh38, 1-based): chr2:173,238,367, T>C. VCF-style: chr2-173238367-T-C. GRCh37 (hg19) VCF-style: chr2-174103095-T-C.
Other names: c.1204-6T>C (NM_016653.2).
Identifiers: ClinVar variation 1651931 (VCV001651931.10), dbSNP rs138143465, ClinGen allele CA1970767.
Genomic context (GRCh38, chr2:173,238,367, plus strand): 5'-CCAATGATTTTAGTCTTCTCTTGGTATTACTGGATCATTAATAAAGTCATATGATTTTTT[T>C]TACAGTCAGCCATTGAGAAATTAACCCATGATTACATAAATTTGTTTCACTTCCCACCAC-3'

ClinVar aggregate classification (germline): Likely benign. Review status: criteria provided, single submitter (1 of 4 stars). 2 submissions from 2 submitters: Likely benign (1). 1 of the submissions does not count toward it. Last evaluated 2025-11-01.

Conditions:
MAP3K20-related disorder. Also called: MAP3K20-related condition.

Allele frequency attached by ClinVar (database versions not stated): gnomAD exomes 0.00004 and 0.00011; ExAC 0.00011; ESP Exome Variant Server 0.00025; TOPMed 0.00044; gnomAD 0.00047 and 0.00048; 1000 Genomes Project 30x 0.00078; 1000 Genomes Project 0.00080.
gnomAD v4.1: 133 of 1,610,116 alleles (0.0083%); highest among the groups gnomAD compares: African/African-American, 0.16%; no homozygotes.

Submissions (2):

Labcorp Genetics (formerly Invitae), Labcorp
Classification: Likely benign. Last evaluated: 2025-11-01. Review status: criteria provided, single submitter. Criteria: Invitae Variant Classification Sherloc (09022015). Collection method: clinical testing. Allele origin: germline.

PreventionGenetics, part of Exact Sciences
Classification: Likely benign for MAP3K20-related condition. Last evaluated: 2022-05-06. Review status: no assertion criteria provided. Collection method: clinical testing. Allele origin: germline. Not counted in ClinVar's aggregate classification.
Comment: This variant is classified as likely benign based on ACMG/AMP sequence variant interpretation guidelines (Richards et al. 2015 PMID: 25741868, with internal and published modifications).